The following is an entry in ClinVar:

NM_002971.6(SATB1):c.131G>A (p.Arg44Lys)

Gene: SATB1 (SATB homeobox 1; minus strand). Cytogenetic location: 3p24.3.
Variant type: single nucleotide variant.
Coding change: c.131G>A on transcript NM_002971.6 (MANE Select); coding-DNA position 131, G replaced by A.
Protein change: p.Arg44Lys; replaces arginine 44 with lysine.
Molecular consequence: missense variant. On other transcripts: intron variant (1).
Genome position (GRCh38, 1-based): chr3:18,420,837, C>T on the plus strand (G>A on the coding strand, the complement: SATB1 is on the minus strand). VCF-style: chr3-18420837-C-T. GRCh37 (hg19) VCF-style: chr3-18462329-C-T.
Other names: c.131G>A, p.Arg44Lys (NM_001131010.4, NM_001195470.3, NM_001322871.2 and 4 more transcripts); c.-5-3759G>A (NM_001322876.2); short protein forms R44K.
Identifiers: ClinVar variation 4975181 (VCV004975181.1).

ClinVar aggregate classification (germline): Uncertain significance (1 of 4 stars; one submission).

Submission:

GeneDx
Classification: Uncertain significance. Last evaluated: 2026-02-27. Review status: criteria provided, single submitter. Criteria: GeneDx Variant Classification Process June 2021. Collection method: clinical testing. Allele origin: germline.
Comment: Not observed at significant frequency in large population cohorts (gnomAD); In silico analysis supports that this missense variant has a deleterious effect on protein structure/function; Has not been previously published as pathogenic or benign to our knowledge